The following is an entry in ClinVar:

ClinVar aggregate classification (germline): Pathogenic (1 of 4 stars; one submission).

Conditions:
Arrhythmogenic right ventricular dysplasia 9 (ARVD9). Also called: Arrhythmogenic Right Ventricular Dysplasia/Cardiomyopathy 9; ARRHYTHMOGENIC RIGHT VENTRICULAR DYSPLASIA, FAMILIAL, 9. Identifiers: MedGen C1836906, MONDO:0012180, OMIM 609040.

Submission:

Labcorp Genetics (formerly Invitae), Labcorp
Classification: Pathogenic for Arrhythmogenic right ventricular cardiomyopathy, type 9. Last evaluated: 2018-04-10. Review status: criteria provided, single submitter. Criteria: Invitae Variant Classification Sherloc (09022015). Collection method: clinical testing. Allele origin: germline.
Comment: This variant is an out-of-frame deletion of the genomic region encompassing exon 8 of the PKP2 gene. This is expected to create a premature translational stop signal and result in an absent or disrupted protein product. A similar deletion of exon 8 has been reported in an individual affected with arrhythmogenic right ventricular cardiomyopathy who also has a variant in DSC2 (PMID:Â¬â€ 21606396).Â¬â€ ClinVar contains an entry for this variant (Variation ID:Â¬â€ 164945). Loss-of-function variants in PKP2 are known to be pathogenic (PMID: 15489853, 23911551). For these reasons, this variant has been classified as Pathogenic.

NC_000012.12:g.(?_32824025)_(32824182_?)del

Gene: PKP2 (plakophilin 2; minus strand). Cytogenetic location: 12p11.21.
Variant type: Deletion.
Identifiers: ClinVar variation 583904 (VCV000583904.1).